The following is an entry in ClinVar:

ClinVar aggregate classification (germline): Uncertain significance. Review status: criteria provided, multiple submitters, no conflicts (2 of 4 stars). 3 submissions from 3 submitters: Uncertain significance (3). Last evaluated 2025-07-22.

Conditions:
Cardiovascular phenotype. Identifiers: MedGen CN230736.
Hereditary cancer-predisposing syndrome. Also called: Hereditary Cancer Syndrome; Hereditary neoplastic syndrome; Tumor predisposition; Neoplastic Syndromes, Hereditary. Identifiers: Orphanet 140162, MedGen C0027672, MeSH D009386, MONDO:0015356.
Neurofibromatosis, type 1 (NF1). Also called: VON RECKLINGHAUSEN DISEASE; NEUROFIBROMATOSIS, TYPE I, SOMATIC; Peripheral type neurofibromatosis; Neurofibromatosis, type I. Identifiers: Orphanet 636, MedGen C0027831, MONDO:0018975, OMIM 162200. Disease mechanism: loss of function.

Submissions (3):

Ambry Genetics
Classification: Uncertain significance for Cardiovascular phenotype; Hereditary cancer-predisposing syndrome. Last evaluated: 2025-07-22. Review status: criteria provided, single submitter. Criteria: Ambry Variant Classification Scheme 2023. Collection method: clinical testing. Allele origin: germline.
Comment: The c.232_234delAAT variant (also known as p.N78del) is located in coding exon 3 of the NF1 gene. This variant results from an in-frame AAT deletion at nucleotide positions 232 to 234. This results in the in-frame deletion of an asparagine at codon 78. This amino acid position is highly conserved in available vertebrate species. In addition, this alteration is predicted to be deleterious by in silico analysis (Choi Y et al. PLoS ONE. 2012; 7(10):e46688). Based on the available evidence, the clinical significance of this variant remains unclear.

Labcorp Genetics (formerly Invitae), Labcorp
Classification: Uncertain significance for Neurofibromatosis, type 1. Last evaluated: 2024-09-14. Review status: criteria provided, single submitter. Criteria: Invitae Variant Classification Sherloc (09022015). Collection method: clinical testing. Allele origin: germline.
Comment: This variant, c.232_234del, results in the deletion of 1 amino acid(s) of the NF1 protein (p.Asn78del), but otherwise preserves the integrity of the reading frame. This variant is not present in population databases (gnomAD no frequency). This variant has not been reported in the literature in individuals affected with NF1-related conditions. ClinVar contains an entry for this variant (Variation ID: 457577). Experimental studies and prediction algorithms are not available or were not evaluated, and the functional significance of this variant is currently unknown. In summary, the available evidence is currently insufficient to determine the role of this variant in disease. Therefore, it has been classified as a Variant of Uncertain Significance.

Genome-Nilou Lab
Classification: Uncertain significance for Neurofibromatosis, type 1. Last evaluated: 2022-03-15. Review status: criteria provided, single submitter. Criteria: ACMG Guidelines, 2015. Collection method: clinical testing. Allele origin: germline. Affected: no.

NM_001042492.3(NF1):c.232_234del (p.Asn78del)

Gene: NF1 (neurofibromin 1; plus strand). Cytogenetic location: 17q11.2.
Variant type: Deletion.
Coding change: c.232_234del on transcript NM_001042492.3 (MANE Select); coding-DNA positions 232 to 234, 3 bases deleted (AAT; older notation c.232_234delAAT).
Protein change: p.Asn78del; deletes asparagine 78.
Molecular consequence: inframe deletion. On other transcripts: inframe indel (1).
Genome position (GRCh38, 1-based): chr17:31,159,037-31,159,039, AAT deleted. VCF-style (leftmost placement, unchanged base first): chr17-31159036-AAAT-A. GRCh37 (hg19) VCF-style: chr17-29486054-AAAT-A.
Other names: c.232_234delAAT, p.Asn78del (NM_000267.4); c.232_234del, p.Asn78del (NM_001128147.3); c.232_234delAAT (NM_000267.3); short protein forms N78del.
Identifiers: ClinVar variation 457577 (VCV000457577.12), dbSNP rs1555605367, ClinGen allele CA658658576.
Genomic context (GRCh38, chr17:31,159,036, plus strand): 5'-CTAACTTTTATGTTCTGAATATCTTTTCTGTTAGAGAATATTTGGAGAAGCTGCTGAAAA[AAAT>A]TTATATCTCTCTCAGTTGATTATATTGGATACACTGGAAAAATGTCTTGCTGGGGTAAGT-3'